The following is an entry in ClinVar:

ClinVar aggregate classification (germline): Uncertain significance (1 of 4 stars; one submission).

Allele frequency attached by ClinVar (database versions not stated): gnomAD exomes 0.00001; gnomAD 0.00001.
gnomAD v4.1: 18 of 1,610,856 alleles (0.0011%); highest among the groups gnomAD compares: Non-Finnish European, 0.0015%; no homozygotes.

Submission:

Labcorp Genetics (formerly Invitae), Labcorp
Classification: Uncertain significance. Last evaluated: 2025-06-03. Review status: criteria provided, single submitter. Criteria: Invitae Variant Classification Sherloc (09022015). Collection method: clinical testing. Allele origin: germline.
Comment: This sequence change replaces glutamic acid, which is acidic and polar, with lysine, which is basic and polar, at codon 350 of the COL9A3 protein (p.Glu350Lys). This variant is present in population databases (no rsID available, gnomAD 0.0009%). This variant has not been reported in the literature in individuals affected with COL9A3-related conditions. ClinVar contains an entry for this variant (Variation ID: 2781490). Invitae Evidence Modeling of protein sequence and biophysical properties (such as structural, functional, and spatial information, amino acid conservation, physicochemical variation, residue mobility, and thermodynamic stability) indicates that this missense variant is not expected to disrupt COL9A3 protein function with a negative predictive value of 95%. In summary, the available evidence is currently insufficient to determine the role of this variant in disease. Therefore, it has been classified as a Variant of Uncertain Significance.

NM_001853.4(COL9A3):c.1048G>A (p.Glu350Lys)

Gene: COL9A3 (collagen type IX alpha 3 chain; plus strand). Cytogenetic location: 20q13.33.
Variant type: single nucleotide variant.
Coding change: c.1048G>A on transcript NM_001853.4 (MANE Select); coding-DNA position 1048, G replaced by A.
Protein change: p.Glu350Lys; replaces glutamic acid 350 with lysine.
Molecular consequence: missense variant.
Genome position (GRCh38, 1-based): chr20:62,829,494, G>A. VCF-style: chr20-62829494-G-A. GRCh37 (hg19) VCF-style: chr20-61460846-G-A.
Other names: short protein forms E350K.
Identifiers: ClinVar variation 2781490 (VCV002781490.3), dbSNP rs1014001674, ClinGen allele CA317333575.